The following is an entry in ClinVar:

NM_005883.3(APC2):c.4957C>G (p.Arg1653Gly)

Gene: APC2 (APC regulator of Wnt signaling pathway 2; plus strand). Cytogenetic location: 19p13.3.
Variant type: single nucleotide variant.
Coding change: c.4957C>G on transcript NM_005883.3 (MANE Select); coding-DNA position 4957, C replaced by G.
Protein change: p.Arg1653Gly; replaces arginine 1653 with glycine.
Molecular consequence: missense variant.
Genome position (GRCh38, 1-based): chr19:1,468,258, C>G. VCF-style: chr19-1468258-C-G. GRCh37 (hg19) VCF-style: chr19-1468257-C-G.
Other names: c.4954C>G, p.Arg1652Gly (NM_001351273.1); c.4957C>G (NM_005883.2); short protein forms R1652G, R1653G.
Identifiers: ClinVar variation 2148297 (VCV002148297.5), dbSNP rs747709330, ClinGen allele CA9045938.

ClinVar aggregate classification (germline): Conflicting classifications of pathogenicity. Review status: criteria provided, conflicting classifications (1 of 4 stars). 2 submissions from 2 submitters: Uncertain significance (1); Likely benign (1). Last evaluated 2025-10-01.

Allele frequency attached by ClinVar (database versions not stated): ExAC 0.00136.
gnomAD v4.1: 269 of 1,524,358 alleles (0.018%); highest among the groups gnomAD compares: Non-Finnish European, 0.0028%; no homozygotes.

Submissions (2):

Labcorp Genetics (formerly Invitae), Labcorp
Classification: Likely benign. Last evaluated: 2025-10-01. Review status: criteria provided, single submitter. Criteria: Invitae Variant Classification Sherloc (09022015). Collection method: clinical testing. Allele origin: germline.

GeneDx
Classification: Uncertain significance. Last evaluated: 2022-12-06. Review status: criteria provided, single submitter. Criteria: GeneDx Variant Classification Process June 2021. Collection method: clinical testing. Allele origin: germline. Affected: yes.
Comment: In silico analysis supports that this missense variant has a deleterious effect on protein structure/function; Has not been previously published as pathogenic or benign to our knowledge